The following is an entry in ClinVar:

NM_001297.5(CNGB1):c.2867del (p.Ile956fs)

Gene: CNGB1 (cyclic nucleotide gated channel subunit beta 1; minus strand). Cytogenetic location: 16q21.
Variant type: Deletion.
Coding change: c.2867del on transcript NM_001297.5 (MANE Select); coding-DNA position 2867, one base deleted (T; older notation c.2867delT).
Protein change: p.Ile956fs; shifts the reading frame from isoleucine 956.
Molecular consequence: frameshift variant.
Genome position (GRCh38, 1-based): chr16:57,901,553, A deleted on the plus strand (T on the coding strand, the reverse complement: CNGB1 is on the minus strand). VCF-style (leftmost placement, unchanged base first): chr16-57901552-GA-G. GRCh37 (hg19) VCF-style: chr16-57935456-GA-G.
Other names: c.2849del, p.Ile950fs (NM_001286130.2); short protein forms I956fs, I950fs.
Identifiers: ClinVar variation 444372 (VCV000444372.52), dbSNP rs1231250334, ClinGen allele CA623113505.
Genomic context (GRCh38, chr16:57,901,552, plus strand): 5'-CCACAGCCCTGAGCGTGAGGGCACCAAAAGGTGTACCTGAAAGAGTGCGACTTTGCTAAC[GA>G]TGTTGTAGTTCACGTCGATGGCGAGGTCCAGCCGCATCTTGTCTGGAAGCTGCACCATCA-3'

ClinVar aggregate classification (germline): Pathogenic/Likely pathogenic. Review status: criteria provided, multiple submitters, no conflicts (2 of 4 stars). 5 submissions from 5 submitters: Pathogenic (4); Likely pathogenic (1). Last evaluated 2025-09-02.

Conditions:
CNGB1-related disorder. Also called: CNGB1-related condition.
Retinitis pigmentosa 45 (RP45). Identifiers: Orphanet 791, MedGen C3151066, MONDO:0013413, OMIM 613767.
Retinitis pigmentosa (RP). Identifiers: Orphanet 791, MedGen C0035334, MeSH D012174, MONDO:0019200, OMIM 268000. Inheritance: Autosomal dominant, autosomal recessive and X linked inheritance.

Allele frequency attached by ClinVar (database versions not stated): gnomAD exomes below 0.00001 and 0.00001; gnomAD 0.00001; TOPMed 0.00001.

Submissions (5):

Labcorp Genetics (formerly Invitae), Labcorp
Classification: Pathogenic. Last evaluated: 2025-09-02. Review status: criteria provided, single submitter. Criteria: Invitae Variant Classification Sherloc (09022015). Collection method: clinical testing. Allele origin: germline.
Comment: This sequence change creates a premature translational stop signal (p.Ile956Thrfs*15) in the CNGB1 gene. It is expected to result in an absent or disrupted protein product. Loss-of-function variants in CNGB1 are known to be pathogenic (PMID: 15557452, 24043777). This variant is present in population databases (no rsID available, gnomAD 0.002%). This premature translational stop signal has been observed in individual(s) with rod-cone dystrophy (PMID: 33847019). ClinVar contains an entry for this variant (Variation ID: 444372). For these reasons, this variant has been classified as Pathogenic.

Institute of Medical Genetics and Applied Genomics, University Hospital Tübingen
Classification: Pathogenic for Retinitis pigmentosa 45. Last evaluated: 2025-05-06. Review status: criteria provided, single submitter. Criteria: ACMG Guidelines, 2015. Collection method: clinical testing. Allele origin: germline. Inheritance: Autosomal recessive inheritance. Affected: yes.

Molecular Genetics Laboratory, Institute for Ophthalmic Research
Classification: Pathogenic for Retinitis pigmentosa. Last evaluated: 2020-01-09. Review status: criteria provided, single submitter. Criteria: ACMG Guidelines, 2015. Collection method: research. Allele origin: germline. Affected: yes.

CeGaT Center for Human Genetics Tuebingen
Classification: Pathogenic. Last evaluated: 2018-08-01. Review status: criteria provided, single submitter. Criteria: CeGaT Center For Human Genetics Tuebingen Variant Classification Criteria Version 2. Collection method: clinical testing. Allele origin: germline. Affected: yes. Observed: 3 variant alleles.

Blueprint Genetics
Classification: Likely pathogenic for CNGB1-related disorders. Last evaluated: 2017-08-12. Review status: criteria provided, single submitter. Criteria: ACMG Guidelines, 2015. Collection method: clinical testing. Allele origin: germline. Affected: yes. Observed: 1 variant allele.

Literature cited by the submitters: PubMed 15557452 (cited by Labcorp Genetics (formerly Invitae), Labcorp); PubMed 24043777 (cited by Labcorp Genetics (formerly Invitae), Labcorp); PubMed 33847019 (cited by Labcorp Genetics (formerly Invitae), Labcorp).